The following is an entry in ClinVar:

ClinVar aggregate classification (germline): Uncertain significance (1 of 4 stars; one submission).

gnomAD v4.1: 2 of 1,614,042 alleles (0.00012%); highest among the groups gnomAD compares: Non-Finnish European, 0.00017%; no homozygotes.

Submission:

GeneDx
Classification: Uncertain significance. Last evaluated: 2025-08-11. Review status: criteria provided, single submitter. Criteria: GeneDx Variant Classification Process June 2021. Collection method: clinical testing. Allele origin: germline. Affected: yes.
Comment: Not observed at significant frequency in large population cohorts (gnomAD); In silico analysis supports that this missense variant has a deleterious effect on protein structure/function; Has not been previously published as pathogenic or benign to our knowledge

NM_000875.5(IGF1R):c.2966C>A (p.Pro989His)

Gene: IGF1R (insulin like growth factor 1 receptor; plus strand). Cytogenetic location: 15q26.3.
Variant type: single nucleotide variant.
Coding change: c.2966C>A on transcript NM_000875.5 (MANE Select); coding-DNA position 2966, C replaced by A.
Protein change: p.Pro989His; replaces proline 989 with histidine.
Molecular consequence: missense variant.
Genome position (GRCh38, 1-based): chr15:98,934,833, C>A. VCF-style: chr15-98934833-C-A. GRCh37 (hg19) VCF-style: chr15-99478062-C-A.
Other names: c.2963C>A, p.Pro988His (NM_001291858.2); short protein forms P989H, P988H.
Identifiers: ClinVar variation 4795614 (VCV004795614.1).
Genomic context (GRCh38, chr15:98,934,833, plus strand): 5'-CTGTCTAAGGGCTTGTTTCTGTACCTGCTTTAATTACGGTTTCTTCTCCAGTGTACGTTC[C>A]TGATGAGTGGGAGGTGGCTCGGGAGAAGATCACCATGAGCCGGGAACTTGGGCAGGGGTC-3'
Protein context (NP_000866.1, residues 979-999): EYFSAADVYV[Pro989His]DEWEVAREKI